The following is an entry in ClinVar:

NM_001999.4(FBN2):c.5692G>C (p.Glu1898Gln)

Gene: FBN2 (fibrillin 2; minus strand). Cytogenetic location: 5q23.3.
Variant type: single nucleotide variant.
Coding change: c.5692G>C on transcript NM_001999.4 (MANE Select); coding-DNA position 5692, G replaced by C.
Protein change: p.Glu1898Gln; replaces glutamic acid 1898 with glutamine.
Molecular consequence: missense variant.
Genome position (GRCh38, 1-based): chr5:128,305,065, C>G on the plus strand (G>C on the coding strand, the complement: FBN2 is on the minus strand). VCF-style: chr5-128305065-C-G. GRCh37 (hg19) VCF-style: chr5-127640757-C-G.
Other names: short protein forms E1898Q.
Identifiers: ClinVar variation 213416 (VCV000213416.5), dbSNP rs767932789, ClinGen allele CA323648.

ClinVar aggregate classification (germline): Uncertain significance. Review status: criteria provided, multiple submitters, no conflicts (2 of 4 stars). 2 submissions from 2 submitters: Uncertain significance (2). Last evaluated 2023-04-28.

Conditions:
Congenital contractural arachnodactyly (CCA). Also called: Beals-Hecht syndrome; BEALS SYNDROME; Arthrogryposis, distal, type 9. Identifiers: Orphanet 115, MedGen C0220668, MONDO:0007363, OMIM 121050.

Submissions (2):

Labcorp Genetics (formerly Invitae), Labcorp
Classification: Uncertain significance for Congenital contractural arachnodactyly. Last evaluated: 2023-04-28. Review status: criteria provided, single submitter. Criteria: Invitae Variant Classification Sherloc (09022015). Collection method: clinical testing. Allele origin: germline.
Comment: This sequence change replaces glutamic acid, which is acidic and polar, with glutamine, which is neutral and polar, at codon 1898 of the FBN2 protein (p.Glu1898Gln). This variant is not present in population databases (gnomAD no frequency). This variant has not been reported in the literature in individuals affected with FBN2-related conditions. ClinVar contains an entry for this variant (Variation ID: 213416). Advanced modeling of protein sequence and biophysical properties (such as structural, functional, and spatial information, amino acid conservation, physicochemical variation, residue mobility, and thermodynamic stability) performed at Invitae indicates that this missense variant is expected to disrupt FBN2 protein function. In summary, the available evidence is currently insufficient to determine the role of this variant in disease. Therefore, it has been classified as a Variant of Uncertain Significance.

GeneDx
Classification: Uncertain significance. Last evaluated: 2015-05-22. Review status: criteria provided, single submitter. Criteria: GeneDx Variant Classification (06012015). Collection method: clinical testing. Allele origin: germline. Affected: yes.
Comment: p.Glu1898Gln (E1898Q) (GAA>CAA): c.5692 G>C in exon 45 of the FBN2 gene (NM_001999.3) The E1898Q variant has not been published as a mutation, nor has it been reported as a benign polymorphism to our knowledge. The E1898Q variant was not observed in approximately 6,500 individuals of European and African American ancestry in the NHLBI Exome Sequencing Project, indicating it is not a common benign variant in these populations. The E1898Q variant is a semi-conservative amino acid substitution, which may impact secondary protein structure as these residues differ in some properties. This substitution occurs at a position that is conserved across species. However, in silico analysis is inconsistent in its predictions as to whether or not the variant is damaging to the protein structure/function. Furthermore, no missense mutations in nearby residues have been reported in association with CCA, indicating that this region of the protein may be tolerant of change. Moreover, the E1898Q variant does not affect a Cysteine residue within a calcium-binding EGF-like domain of the FBN2. Cysteine substitutions in the calcium-binding EGF-like domains represent the majority of pathogenic missense changes associated with congenital arachnodactyly (Collod-Beroud et al., 2003). Therefore, based on the currently available information, it is unclear whether this variant is a pathogenic mutation or a rare benign variant. This variant was found in TAADV2-PANCARD